The following is an entry in ClinVar:

ClinVar aggregate classification (germline): Uncertain significance (1 of 4 stars; one submission).

Allele frequency attached by ClinVar (database versions not stated): gnomAD 0.00001; gnomAD exomes 0.00001; ExAC 0.00002; 1000 Genomes Project 30x 0.00016; 1000 Genomes Project 0.00020.
gnomAD v4.1: 11 of 1,614,050 alleles (0.00068%); highest among the groups gnomAD compares: South Asian, 0.012%; no homozygotes.

Submission:

Ambry Genetics
Classification: Uncertain significance. Last evaluated: 2024-06-12. Review status: criteria provided, single submitter. Criteria: Ambry Variant Classification Scheme 2023. Collection method: clinical testing. Allele origin: germline.
Comment: The p.F1066C variant (also known as c.3197T>G), located in coding exon 17 of the NPAT gene, results from a T to G substitution at nucleotide position 3197. The phenylalanine at codon 1066 is replaced by cysteine, an amino acid with highly dissimilar properties. This amino acid position is conserved. In addition, the in silico prediction for this alteration is inconclusive. Since supporting evidence is limited at this time, the clinical significance of this alteration remains unclear.

NM_002519.3(NPAT):c.3197T>G (p.Phe1066Cys)

Gene: NPAT (nuclear protein, coactivator of histone transcription; minus strand). Cytogenetic location: 11q22.3.
Variant type: single nucleotide variant.
Coding change: c.3197T>G on transcript NM_002519.3 (MANE Select); coding-DNA position 3197, T replaced by G.
Protein change: p.Phe1066Cys; replaces phenylalanine 1066 with cysteine.
Molecular consequence: missense variant.
Genome position (GRCh38, 1-based): chr11:108,161,889, A>C on the plus strand (T>G on the coding strand, the complement: NPAT is on the minus strand). VCF-style: chr11-108161889-A-C. GRCh37 (hg19) VCF-style: chr11-108032616-A-C.
Other names: c.3218T>G, p.Phe1073Cys (NM_001321307.1); short protein forms F1066C, F1073C.
Identifiers: ClinVar variation 1728729 (VCV001728729.3), dbSNP rs545948601, ClinGen allele CA6263625.
Genomic context (GRCh38, chr11:108,161,889, plus strand): 5'-TGGGACACCATCTTATGGTTTGGCCCCTGCGTATTTGCCACAGGAGCAGTAGTGCTGTCG[A>C]AACAGAGTACACGTCTGTGGCATGGTTTAGCAGCTGGAACTATACTCTCTTCTGGGAAGG-3'
Protein context (NP_002510.2, residues 1056-1076): AKPCHRRVLC[Phe1066Cys]DSTTAPVANT